The following is an entry in ClinVar:

ClinVar aggregate classification (germline): Uncertain significance. Review status: criteria provided, multiple submitters, no conflicts (2 of 4 stars). 4 submissions from 4 submitters: Uncertain significance (4). Last evaluated 2025-11-07.

Conditions:
Myofibrillar myopathy 5. Also called: Filaminopathy (type); FILAMINOPATHY, AUTOSOMAL DOMINANT. Identifiers: Orphanet 171445, MedGen C1836050, MONDO:0012289, OMIM 609524.
Hypertrophic cardiomyopathy 26. Also called: Cardiomyopathy, familial hypertrophic, 26. Identifiers: Orphanet 75249, MedGen C4310749, MONDO:0014883, OMIM 617047.
Distal myopathy with posterior leg and anterior hand involvement. Also called: WILLIAMS DISTAL MYOPATHY. Identifiers: Orphanet 63273, MedGen C3279722, MONDO:0013550, OMIM 614065.
Cardiovascular phenotype. Identifiers: MedGen CN230736.

Allele frequency attached by ClinVar (database versions not stated): TOPMed below 0.00001; gnomAD 0.00001; gnomAD exomes 0.00001.
gnomAD v4.1: 13 of 1,611,836 alleles (0.00081%); highest among the groups gnomAD compares: Non-Finnish European, 0.001%; no homozygotes.

Submissions (4):

Ambry Genetics
Classification: Uncertain significance for Cardiovascular phenotype. Last evaluated: 2025-11-07. Review status: criteria provided, single submitter. Criteria: Ambry Variant Classification Scheme 2023. Collection method: clinical testing. Allele origin: germline.
Comment: The p.S2384F variant (also known as c.7151C>T), located in coding exon 43 of the FLNC gene, results from a C to T substitution at nucleotide position 7151. The serine at codon 2384 is replaced by phenylalanine, an amino acid with highly dissimilar properties. This amino acid position is conserved. In addition, this alteration is predicted to be deleterious by in silico analysis. Based on the available evidence, the clinical significance of this variant remains unclear.

GeneDx
Classification: Uncertain significance. Last evaluated: 2025-06-13. Review status: criteria provided, single submitter. Criteria: GeneDx Variant Classification Process June 2021. Collection method: clinical testing. Allele origin: germline. Affected: yes.
Comment: Not observed at significant frequency in large population cohorts (gnomAD); In silico analysis supports that this missense variant has a deleterious effect on protein structure/function; Has not been previously published as pathogenic or benign to our knowledge

Labcorp Genetics (formerly Invitae), Labcorp
Classification: Uncertain significance for Distal myopathy with posterior leg and anterior hand involvement; Myofibrillar myopathy 5; Hypertrophic cardiomyopathy 26. Last evaluated: 2025-05-04. Review status: criteria provided, single submitter. Criteria: Invitae Variant Classification Sherloc (09022015). Collection method: clinical testing. Allele origin: germline.
Comment: This sequence change replaces serine, which is neutral and polar, with phenylalanine, which is neutral and non-polar, at codon 2384 of the FLNC protein (p.Ser2384Phe). This variant is not present in population databases (gnomAD no frequency). This variant has not been reported in the literature in individuals affected with FLNC-related conditions. ClinVar contains an entry for this variant (Variation ID: 1310085). Invitae Evidence Modeling of protein sequence and biophysical properties (such as structural, functional, and spatial information, amino acid conservation, physicochemical variation, residue mobility, and thermodynamic stability) indicates that this missense variant is not expected to disrupt FLNC protein function with a negative predictive value of 95%. In summary, the available evidence is currently insufficient to determine the role of this variant in disease. Therefore, it has been classified as a Variant of Uncertain Significance.

Blueprint Genetics
Classification: Uncertain significance. Last evaluated: 2022-11-04. Review status: criteria provided, single submitter. Criteria: ACMG Guidelines, 2015. Collection method: clinical testing. Allele origin: germline.

NM_001458.5(FLNC):c.7151C>T (p.Ser2384Phe)

Genes: FLNC (filamin C; plus strand), FLNC-AS1 (FLNC antisense RNA 1; minus strand). Cytogenetic location: 7q32.1.
Variant type: single nucleotide variant.
Coding change: c.7151C>T on transcript NM_001458.5 (MANE Select); coding-DNA position 7151, C replaced by T.
Protein change: p.Ser2384Phe; replaces serine 2384 with phenylalanine.
Molecular consequence: missense variant.
Genome position (GRCh38, 1-based): chr7:128,855,214, C>T. VCF-style: chr7-128855214-C-T. GRCh37 (hg19) VCF-style: chr7-128495268-C-T.
Other names: c.7052C>T, p.Ser2351Phe (NM_001127487.2); short protein forms S2351F, S2384F.
Identifiers: ClinVar variation 1310085 (VCV001310085.9), dbSNP rs1219809283, ClinGen allele CA369215578.